The following is an entry in ClinVar:

NM_017654.4(SAMD9):c.4037G>A (p.Gly1346Glu)

Gene: SAMD9 (sterile alpha motif domain containing 9; minus strand). Cytogenetic location: 7q21.2.
Variant type: single nucleotide variant.
Coding change: c.4037G>A on transcript NM_017654.4 (MANE Select); coding-DNA position 4037, G replaced by A.
Protein change: p.Gly1346Glu; replaces glycine 1346 with glutamic acid.
Molecular consequence: missense variant.
Genome position (GRCh38, 1-based): chr7:93,102,061, C>T on the plus strand (G>A on the coding strand, the complement: SAMD9 is on the minus strand). VCF-style: chr7-93102061-C-T. GRCh37 (hg19) VCF-style: chr7-92731374-C-T.
Other names: c.4037G>A, p.Gly1346Glu (NM_001193307.2); short protein forms G1346E.
Identifiers: ClinVar variation 3949631 (VCV003949631.1).

ClinVar aggregate classification (germline): Uncertain significance (1 of 4 stars; one submission).

Conditions:
Inborn genetic diseases. Identifiers: MedGen C0950123, MeSH D030342.

gnomAD v4.1: 6 of 1,613,140 alleles (0.00037%); highest among the groups gnomAD compares: Non-Finnish European, 0.00051%; no homozygotes.

Submission:

Ambry Genetics
Classification: Uncertain significance for Inborn genetic diseases. Last evaluated: 2025-05-16. Review status: criteria provided, single submitter. Criteria: Ambry Variant Classification Scheme 2023. Collection method: clinical testing. Allele origin: germline.
Comment: The p.G1346E variant (also known as c.4037G>A), located in coding exon 1 of the SAMD9 gene, results from a G to A substitution at nucleotide position 4037. The glycine at codon 1346 is replaced by glutamic acid, an amino acid with similar properties. This amino acid position is conserved. In addition, the in silico prediction for this alteration is inconclusive. Based on the available evidence, the clinical significance of this variant remains unclear.